The following is an entry in ClinVar:

ClinVar aggregate classification (germline): Pathogenic (1 of 4 stars; one submission).

Conditions:
Ataxia-telangiectasia syndrome (AT). Also called: AT, COMPLEMENTATION GROUP C; ATAXIA-TELANGIECTASIA, COMPLEMENTATION GROUP A; ATAXIA-TELANGIECTASIA, FRESNO VARIANT; Ataxia-telangiectasia; Ataxia telangiectasia (A-T); LOUIS-BAR SYNDROME. Identifiers: Orphanet 100, MedGen C0004135, MONDO:0008840, OMIM 208900.

Submission:

Labcorp Genetics (formerly Invitae), Labcorp
Classification: Pathogenic for Ataxia-telangiectasia syndrome. Last evaluated: 2015-11-24. Review status: criteria provided, single submitter. Criteria: Invitae Variant Classification Sherloc (09022015). Collection method: clinical testing. Allele origin: germline.
Comment: This variant is a gross deletion of the genomic region encompassing exons 57-59 of the ATM gene. This deletion removes both exons 57 and 58, as well as the first 44 nucleotides of exon 59. Although the impact of this deletion on splicing is uncertain, it likely creates a premature translational stop signal resulting in an absent or disrupted protein product. While this particular variant has not been reported in the literature, gross deletions and truncating variants in ATM are known to be pathogenic (PMID: 25614872, 23807571). For these reasons, this variant has been classified as Pathogenic.

NM_000051.3(ATM):c.8269-?_8671+?del

Gene: ATM (ATM serine/threonine kinase; plus strand).
Variant type: Deletion.
Coding change: c.8269-?_8671+?del on transcript NM_000051.3.
Other names: c.8269-?_8671+?del (LRG_135t1).
Identifiers: ClinVar variation 254033 (VCV000254033.1).